The following is an entry in ClinVar:

NC_000022.10:g.(?_41918814)_(41923444_?)dup

Genes: ACO2 (aconitase 2; plus strand), POLR3H (RNA polymerase III subunit H; minus strand). Cytogenetic location: 22q13.2.
Variant type: Duplication.
Identifiers: ClinVar variation 2423686 (VCV002423686.2).

ClinVar aggregate classification (germline): Uncertain significance (1 of 4 stars; one submission).

Submission:

Labcorp Genetics (formerly Invitae), Labcorp
Classification: Uncertain significance. Last evaluated: 2020-12-18. Review status: criteria provided, single submitter. Criteria: Invitae Variant Classification Sherloc (09022015). Collection method: clinical testing. Allele origin: germline.
Comment: This variant results in a copy number gain of the genomic region encompassing exon(s) 10-16 of the ACO2 gene. While the exact position of this variant cannot be determined from the data, sub-genic copy number gains are generally in tandem (PMID: 25640679). This variant is predicted to be in-frame, and likely preserves the integrity of the reading frame. This variant has not been reported in the literature in individuals with ACO2-related conditions. Experimental studies and prediction algorithms are not available or were not evaluated, and the functional significance of this variant is currently unknown. In summary, the available evidence is currently insufficient to determine the role of this variant in disease. Therefore, it has been classified as a Variant of Uncertain Significance.

Literature cited by the submitters: PubMed 25640679.